The following is an entry in ClinVar:

NM_152703.5(SAMD9L):c.467T>C (p.Leu156Pro)

Gene: SAMD9L (sterile alpha motif domain containing 9 like; minus strand). Cytogenetic location: 7q21.2.
Variant type: single nucleotide variant.
Coding change: c.467T>C on transcript NM_152703.5 (MANE Select); coding-DNA position 467, T replaced by C.
Protein change: p.Leu156Pro; replaces leucine 156 with proline.
Molecular consequence: missense variant.
Genome position (GRCh38, 1-based): chr7:93,135,505, A>G on the plus strand (T>C on the coding strand, the complement: SAMD9L is on the minus strand). VCF-style: chr7-93135505-A-G. GRCh37 (hg19) VCF-style: chr7-92764818-A-G.
Other names: c.467T>C (NM_152703.2); c.467T>C, p.Leu156Pro (NM_001303496.3, NM_001303497.3, NM_001303498.3 and 5 more transcripts); short protein forms L156P.
Identifiers: ClinVar variation 1720352 (VCV001720352.6), dbSNP rs2535437890, ClinGen allele CA368203052.

ClinVar aggregate classification (germline): Uncertain significance. Review status: criteria provided, multiple submitters, no conflicts (2 of 4 stars). 2 submissions from 2 submitters: Uncertain significance (2). Last evaluated 2024-11-22.

Conditions:
Inborn genetic diseases. Identifiers: MedGen C0950123, MeSH D030342.

Submissions (2):

Ambry Genetics
Classification: Uncertain significance for Inborn genetic diseases. Last evaluated: 2024-11-22. Review status: criteria provided, single submitter. Criteria: Ambry Variant Classification Scheme 2023. Collection method: clinical testing. Allele origin: germline.
Comment: The p.L156P variant (also known as c.467T>C), located in coding exon 1 of the SAMD9L gene, results from a T to C substitution at nucleotide position 467. The leucine at codon 156 is replaced by proline, an amino acid with similar properties. This amino acid position is conserved. In addition, this alteration is predicted to be tolerated by in silico analysis. Based on the available evidence, the clinical significance of this variant remains unclear.

Labcorp Genetics (formerly Invitae), Labcorp
Classification: Uncertain significance. Last evaluated: 2022-09-25. Review status: criteria provided, single submitter. Criteria: Invitae Variant Classification Sherloc (09022015). Collection method: clinical testing. Allele origin: germline.
Comment: This sequence change replaces leucine, which is neutral and non-polar, with proline, which is neutral and non-polar, at codon 156 of the SAMD9L protein (p.Leu156Pro). This variant is not present in population databases (gnomAD no frequency). This variant has not been reported in the literature in individuals affected with SAMD9L-related conditions. Algorithms developed to predict the effect of missense changes on protein structure and function output the following: SIFT: "Not Available"; PolyPhen-2: "Benign"; Align-GVGD: "Not Available". The proline amino acid residue is found in multiple mammalian species, which suggests that this missense change does not adversely affect protein function. In summary, the available evidence is currently insufficient to determine the role of this variant in disease. Therefore, it has been classified as a Variant of Uncertain Significance.